The following is an entry in ClinVar:

NM_003676.4(DEGS1):c.241A>G (p.Asn81Asp)

Gene: DEGS1 (delta 4-desaturase, sphingolipid 1; plus strand). Cytogenetic location: 1q42.11.
Variant type: single nucleotide variant.
Coding change: c.241A>G on transcript NM_003676.4 (MANE Select); coding-DNA position 241, A replaced by G.
Protein change: p.Asn81Asp; replaces asparagine 81 with aspartic acid.
Molecular consequence: missense variant.
Genome position (GRCh38, 1-based): chr1:224,189,735, A>G. VCF-style: chr1-224189735-A-G. GRCh37 (hg19) VCF-style: chr1-224377437-A-G.
Other names: c.241A>G, p.Asn81Asp (NM_001321541.2); c.133A>G, p.Asn45Asp (NM_001321542.2); short protein forms N45D, N81D.
Identifiers: ClinVar variation 1898635 (VCV001898635.5), dbSNP rs1323619855, ClinGen allele CA344708854.

ClinVar aggregate classification (germline): Uncertain significance (1 of 4 stars; one submission).

Allele frequency attached by ClinVar (database versions not stated): gnomAD exomes below 0.00001; TOPMed below 0.00001.
gnomAD v4.1: 6 of 1,614,190 alleles (0.00037%); highest among the groups gnomAD compares: Admixed American, 0.005%; no homozygotes.

Submission:

Labcorp Genetics (formerly Invitae), Labcorp
Classification: Uncertain significance. Last evaluated: 2023-06-29. Review status: criteria provided, single submitter. Criteria: Invitae Variant Classification Sherloc (09022015). Collection method: clinical testing. Allele origin: germline.
Comment: This sequence change replaces asparagine, which is neutral and polar, with aspartic acid, which is acidic and polar, at codon 81 of the DEGS1 protein (p.Asn81Asp). This variant is present in population databases (no rsID available, gnomAD 0.0009%). This variant has not been reported in the literature in individuals affected with DEGS1-related conditions. ClinVar contains an entry for this variant (Variation ID: 1898635). Advanced modeling of protein sequence and biophysical properties (such as structural, functional, and spatial information, amino acid conservation, physicochemical variation, residue mobility, and thermodynamic stability) performed at Invitae indicates that this missense variant is not expected to disrupt DEGS1 protein function. In summary, the available evidence is currently insufficient to determine the role of this variant in disease. Therefore, it has been classified as a Variant of Uncertain Significance.